The following is an entry in ClinVar:

ClinVar aggregate classification (germline): Likely pathogenic (1 of 4 stars; one submission).

Conditions:
Neuronopathy, distal hereditary motor, autosomal recessive 5. Also called: Spinal muscular atrophy, distal, autosomal recessive, 5; NEUROPATHY, DISTAL HEREDITARY MOTOR, AUTOSOMAL RECESSIVE 5; Young adult-onset distal hereditary motor neuropathy. Identifiers: Orphanet 314485, Orphanet 443950, MedGen C4749918, MONDO:0013947, OMIM 614881.

Submission:

Labcorp Genetics (formerly Invitae), Labcorp
Classification: Likely pathogenic for Neuronopathy, distal hereditary motor, autosomal recessive 5. Last evaluated: 2021-08-28. Review status: criteria provided, single submitter. Criteria: Invitae Variant Classification Sherloc (09022015). Collection method: clinical testing. Allele origin: germline.
Comment: In summary, the currently available evidence indicates that the variant is pathogenic, but additional data are needed to prove that conclusively. Therefore, this variant has been classified as Likely Pathogenic. This variant is not present in population databases (ExAC no frequency). This sequence change affects an acceptor splice site in intron 6 of the DNAJB2 gene. It is expected to disrupt RNA splicing. Variants that disrupt the donor or acceptor splice site typically lead to a loss of protein function (PMID: 16199547), and loss-of-function variants in DNAJB2 are known to be pathogenic (PMID: 22522442, 25274842). This variant has not been reported in the literature in individuals affected with DNAJB2-related conditions. Algorithms developed to predict the effect of sequence changes on RNA splicing suggest that this variant may disrupt the consensus splice site.

Literature cited by the submitters: PubMed 16199547; PubMed 22522442; PubMed 25274842.

NM_006736.6(DNAJB2):c.446-1G>A

Gene: DNAJB2 (DnaJ heat shock protein family (Hsp40) member B2; plus strand). Cytogenetic location: 2q35.
Variant type: single nucleotide variant.
Coding change: c.446-1G>A on transcript NM_006736.6 (MANE Select); the canonical splice acceptor site of the intron before coding-DNA position 446, G replaced by A.
Molecular consequence: splice acceptor variant.
Genome position (GRCh38, 1-based): chr2:219,283,132, G>A. VCF-style: chr2-219283132-G-A. GRCh37 (hg19) VCF-style: chr2-220147854-G-A.
Other names: c.446-1G>A (NM_001039550.2).
Identifiers: ClinVar variation 1464699 (VCV001464699.6), dbSNP rs2125082935, ClinGen allele CA350650068.